The following is an entry in ClinVar:

ClinVar aggregate classification (germline): Uncertain significance (1 of 4 stars; one submission).

Conditions:
Joubert syndrome 21 (JBTS21). Identifiers: MedGen C3810212, MONDO:0014288, OMIM 615636.

Submission:

Labcorp Genetics (formerly Invitae), Labcorp
Classification: Uncertain significance for Joubert syndrome 21. Last evaluated: 2023-07-17. Review status: criteria provided, single submitter. Criteria: Invitae Variant Classification Sherloc (09022015). Collection method: clinical testing. Allele origin: germline.
Comment: This variant is not present in population databases (gnomAD no frequency). In summary, the available evidence is currently insufficient to determine the role of this variant in disease. Therefore, it has been classified as a Variant of Uncertain Significance. Variants that disrupt the consensus splice site are a relatively common cause of aberrant splicing (PMID: 17576681, 9536098). Algorithms developed to predict the effect of sequence changes on RNA splicing suggest that this variant may disrupt the consensus splice site. This variant has not been reported in the literature in individuals affected with CSPP1-related conditions. This sequence change affects codon 424 of the CSPP1 mRNA. It is a 'silent' change, meaning that it does not change the encoded amino acid sequence of the CSPP1 protein. This variant also falls at the last nucleotide of exon 10, which is part of the consensus splice site for this exon.

Literature cited by the submitters: PubMed 17576681; PubMed 9536098.

NM_001382391.1(CSPP1):c.1245G>T (p.Ser415=)

Gene: CSPP1 (centrosome and spindle pole associated protein 1; plus strand). Cytogenetic location: 8q13.2.
Variant type: single nucleotide variant.
Coding change: c.1245G>T on transcript NM_001382391.1 (MANE Select); coding-DNA position 1245, G replaced by T.
Protein change: p.Ser415=; no amino-acid change (serine 415 retained).
Molecular consequence: synonymous variant.
Genome position (GRCh38, 1-based): chr8:67,113,862, G>T. VCF-style: chr8-67113862-G-T. GRCh37 (hg19) VCF-style: chr8-68026097-G-T.
Other names: c.390G>T, p.Ser130= (NM_001291339.2); c.1164G>T, p.Ser388= (NM_001363131.2, NM_001363133.2); c.1245G>T, p.Ser415= (NM_001363132.2); c.1353G>T, p.Ser451= (NM_001364869.1); c.1173G>T, p.Ser391= (NM_001364870.1); c.1272G>T, p.Ser424= (NM_024790.7).
Identifiers: ClinVar variation 3016163 (VCV003016163.3), dbSNP rs766232913, ClinGen allele CA461295926.